The following is an entry in ClinVar:

NM_006757.4(TNNT3):c.32-11_32-10delinsAA

Gene: TNNT3 (troponin T3, fast skeletal type; plus strand). Cytogenetic location: 11p15.5.
Variant type: Indel.
Coding change: c.32-11_32-10delinsAA on transcript NM_006757.4 (MANE Select); 11 bases into the intron before coding-DNA position 32 through 10 bases into the intron before coding-DNA position 32, TC replaced by AA.
Molecular consequence: intron variant.
Genome position (GRCh38, 1-based): chr11:1,923,544-1,923,545, TC replaced by AA. VCF-style: chr11-1923544-TC-AA. GRCh37 (hg19) VCF-style: chr11-1944774-TC-AA.
Other names: c.32-11_32-10delinsAA (NM_001297646.2, NM_001367846.1, NM_001363561.2 and 10 more transcripts); c.-99+653_-99+654delinsAA (NM_001367851.1); c.31+483_31+484delinsAA (NM_001367849.1); c.-117+653_-117+654delinsAA (NM_001367852.1).
Identifiers: ClinVar variation 2872525 (VCV002872525.3), dbSNP rs2494360609, ClinGen allele CA2739276118.

ClinVar aggregate classification (germline): Uncertain significance (1 of 4 stars; one submission).

Submission:

Labcorp Genetics (formerly Invitae), Labcorp
Classification: Uncertain significance. Last evaluated: 2023-09-09. Review status: criteria provided, single submitter. Criteria: Invitae Variant Classification Sherloc (09022015). Collection method: clinical testing. Allele origin: germline.
Comment: In summary, the available evidence is currently insufficient to determine the role of this variant in disease. Therefore, it has been classified as a Variant of Uncertain Significance. Experimental studies and prediction algorithms are not available or were not evaluated, and the effect of this variant on mRNA splicing is currently unknown. This variant has not been reported in the literature in individuals affected with TNNT3-related conditions. Information on the frequency of this variant in the gnomAD database is not available, as this variant may be reported differently in the database. This sequence change falls in intron 3 of the TNNT3 gene. It does not directly change the encoded amino acid sequence of the TNNT3 protein.